The following is an entry in ClinVar:

NM_198968.4(DZIP1):c.48G>A (p.Lys16=)

Gene: DZIP1 (DAZ interacting zinc finger protein 1; minus strand). Cytogenetic location: 13q32.1.
Variant type: single nucleotide variant.
Coding change: c.48G>A on transcript NM_198968.4 (MANE Select); coding-DNA position 48, G replaced by A.
Protein change: p.Lys16=; no amino-acid change (lysine 16 retained).
Molecular consequence: synonymous variant.
Genome position (GRCh38, 1-based): chr13:95,641,844, C>T on the plus strand (G>A on the coding strand, the complement: DZIP1 is on the minus strand). VCF-style: chr13-95641844-C-T. GRCh37 (hg19) VCF-style: chr13-96294098-C-T.
Other names: c.48G>A, p.Lys16= (NM_014934.5).
Identifiers: ClinVar variation 4980156 (VCV004980156.1).
Genomic context (GRCh38, chr13:95,641,844, plus strand): 5'-GGCGGCGGCCACAGCGACGTCGGGCCCCTCTGGGCCGCTGGCGAGCGGGTAGTAGACATG[C>T]TTCTGGAAGGGCTGCGGGGGGCACAAAGAGAGCGCGGCGGGAGGCGGGGATGGGGGGCGG-3'
Protein context (NP_945319.1, residues 6-26): ADWFSSMPFQ[Lys16=]HVYYPLASGP

ClinVar aggregate classification (germline): Likely benign (1 of 4 stars; one submission).

Conditions:
DZIP1-related disorder. Also called: DZIP1-related condition.

gnomAD v4.1: 27 of 1,370,324 alleles (0.002%); highest among the groups gnomAD compares: Non-Finnish European, 0.0023%; no homozygotes.

Submission:

PreventionGenetics, part of Exact Sciences
Classification: Likely benign for DZIP1-related condition. Last evaluated: 2026-08-25. Review status: criteria provided, single submitter. Criteria: ACMG Guidelines, 2015. Collection method: clinical testing. Allele origin: germline.
Comment: This variant is classified as likely benign based on ACMG/AMP sequence variant interpretation guidelines (Richards et al. 2015 PMID: 25741868, with internal and published modifications).